The following is an entry in ClinVar:

NM_005076.5(CNTN2):c.2509C>A (p.Gln837Lys)

Gene: CNTN2 (contactin 2; plus strand). Cytogenetic location: 1q32.1.
Variant type: single nucleotide variant.
Coding change: c.2509C>A on transcript NM_005076.5 (MANE Select); coding-DNA position 2509, C replaced by A.
Protein change: p.Gln837Lys; replaces glutamine 837 with lysine.
Molecular consequence: missense variant. On other transcripts: non-coding transcript variant (1).
Genome position (GRCh38, 1-based): chr1:205,070,503, C>A. VCF-style: chr1-205070503-C-A. GRCh37 (hg19) VCF-style: chr1-205039631-C-A.
Other names: c.2509C>A, p.Gln837Lys (NM_001346083.2); short protein forms Q837K.
Identifiers: ClinVar variation 2095710 (VCV002095710.4), dbSNP rs1654537664, ClinGen allele CA344380511.

ClinVar aggregate classification (germline): Uncertain significance (1 of 4 stars; one submission).

Conditions:
Epilepsy, familial adult myoclonic, 5 (EPEO5). Also called: CORTICAL MYOCLONIC TREMOR WITH EPILEPSY, FAMILIAL, 5. Identifiers: Orphanet 86814, MedGen C3809374, MONDO:0014167, OMIM 615400.

Submission:

Labcorp Genetics (formerly Invitae), Labcorp
Classification: Uncertain significance for Epilepsy, familial adult myoclonic, 5. Last evaluated: 2024-05-15. Review status: criteria provided, single submitter. Criteria: Invitae Variant Classification Sherloc (09022015). Collection method: clinical testing. Allele origin: germline.
Comment: This sequence change replaces glutamine, which is neutral and polar, with lysine, which is basic and polar, at codon 837 of the CNTN2 protein (p.Gln837Lys). This variant is not present in population databases (gnomAD no frequency). This variant has not been reported in the literature in individuals affected with CNTN2-related conditions. ClinVar contains an entry for this variant (Variation ID: 2095710). Advanced modeling of protein sequence and biophysical properties (such as structural, functional, and spatial information, amino acid conservation, physicochemical variation, residue mobility, and thermodynamic stability) performed at Invitae indicates that this missense variant is not expected to disrupt CNTN2 protein function with a negative predictive value of 95%. In summary, the available evidence is currently insufficient to determine the role of this variant in disease. Therefore, it has been classified as a Variant of Uncertain Significance.